The following is an entry in ClinVar:

ClinVar aggregate classification (germline): Likely pathogenic (1 of 4 stars; one submission).

Submission:

GeneDx
Classification: Likely pathogenic. Last evaluated: 2016-01-21. Review status: criteria provided, single submitter. Criteria: GeneDx Variant Classification (06012015). Collection method: clinical testing. Allele origin: germline. Affected: yes.
Comment: The c.3368delC variant in the TECTA gene has not been reported previously as a pathogenic variant nor as a benign variant, to our knowledge. The c.3368delC variant causes a frameshift starting with codon Proline 1123, changes this amino acid to a Histidine residue, and creates a premature Stop codon at position 41 of the new reading frame, denoted p.Pro1123HisfsX41. This variant is predicted to cause loss of normal protein function either through protein truncation or nonsense-mediated mRNA decay. The c.3368delC variant was not observed in approximately 6500 individuals of European and African American ancestry in the NHLBI Exome Sequencing Project, indicating it is not a common benign variant in these populations. The c.3368delC variant is a strong candidate for a pathogenic variant, however the possibility it may be a rare benign variant cannot be excluded.

NM_005422.4(TECTA):c.3368del (p.Pro1123fs)

Genes: TBCEL-TECTA (TBCEL-TECTA readthrough; plus strand), TECTA (tectorin alpha; plus strand). Cytogenetic location: 11q23.3.
Variant type: Deletion.
Coding change: c.3368del on transcript NM_005422.4 (MANE Select); coding-DNA position 3368, one base deleted (C; older notation c.3368delC).
Protein change: p.Pro1123fs; shifts the reading frame from proline 1123.
Molecular consequence: frameshift variant.
Genome position (GRCh38, 1-based): chr11:121,137,847, C deleted; the last of 3 consecutive C bases (chr11:121,137,845-121,137,847); deleting any one gives the same sequence. VCF-style (leftmost placement, unchanged base first): chr11-121137844-GC-G. GRCh37 (hg19) VCF-style: chr11-121008553-GC-G.
Other names: c.3368delC (NM_005422.2); c.4325del, p.Pro1442fs (NM_001378761.1); short protein forms P1123fs, P1442fs.
Identifiers: ClinVar variation 372870 (VCV000372870.1), dbSNP rs1057518037, ClinGen allele CA16042822.